The following is an entry in ClinVar:

NM_003620.4(PPM1D):c.1606del (p.Arg536fs)

Gene: PPM1D (protein phosphatase, Mg2+/Mn2+ dependent 1D; plus strand). Cytogenetic location: 17q23.2.
Variant type: Deletion.
Coding change: c.1606del on transcript NM_003620.4 (MANE Select); coding-DNA position 1606, one base deleted (A; older notation c.1606delA).
Protein change: p.Arg536fs; shifts the reading frame from arginine 536.
Molecular consequence: frameshift variant.
Genome position (GRCh38, 1-based): chr17:60,663,340, A deleted; the last of 4 consecutive A bases (chr17:60,663,337-60,663,340); deleting any one gives the same sequence. VCF-style (leftmost placement, unchanged base first): chr17-60663336-TA-T. GRCh37 (hg19) VCF-style: chr17-58740697-TA-T.
Other names: short protein forms R536fs.
Identifiers: ClinVar variation 976152 (VCV000976152.5), dbSNP rs2031564242, ClinGen allele CA1139665761.

ClinVar aggregate classification (germline): Likely pathogenic. Review status: criteria provided, multiple submitters, no conflicts (2 of 4 stars). 2 submissions from 2 submitters: Likely pathogenic (2). Last evaluated 2021-06-21.

Conditions:
Intellectual developmental disorder with gastrointestinal difficulties and high pain threshold (JDVS). Also called: JANSEN-DE VRIES SYNDROME. Identifiers: Orphanet 653767, MedGen C4479517, MONDO:0044318, OMIM 617450.

Submissions (2):

Greenwood Genetic Center Diagnostic Laboratories, Greenwood Genetic Center
Classification: Likely pathogenic for Intellectual developmental disorder with gastrointestinal difficulties and high pain threshold. Last evaluated: 2021-06-21. Review status: criteria provided, single submitter. Criteria: ACMG Guidelines, 2015. Collection method: clinical testing. Allele origin: germline. Affected: yes.
Comment: PVS1, PM2

Institute of Human Genetics, University of Leipzig Medical Center
Classification: Likely pathogenic for Intellectual developmental disorder with gastrointestinal difficulties and high pain threshold. Last evaluated: 2018-12-03. Review status: criteria provided, single submitter. Criteria: ACMG Guidelines, 2015. Collection method: clinical testing. Allele origin: germline. Affected: yes. Observed: 1 variant allele.